The following is an entry in ClinVar:

NM_001197104.2(KMT2A):c.2831A>G (p.Asp944Gly)

Gene: KMT2A (lysine methyltransferase 2A; plus strand). Cytogenetic location: 11q23.3.
Variant type: single nucleotide variant.
Coding change: c.2831A>G on transcript NM_001197104.2 (MANE Select); coding-DNA position 2831, A replaced by G.
Protein change: p.Asp944Gly; replaces aspartic acid 944 with glycine.
Molecular consequence: missense variant.
Genome position (GRCh38, 1-based): chr11:118,473,990, A>G. VCF-style: chr11-118473990-A-G. GRCh37 (hg19) VCF-style: chr11-118344705-A-G.
Other names: c.2930A>G, p.Asp977Gly (NM_001412597.1); c.2831A>G, p.Asp944Gly (NM_005933.4); short protein forms D944G, D977G.
Identifiers: ClinVar variation 4800524 (VCV004800524.1).
Genomic context (GRCh38, chr11:118,473,990, plus strand): 5'-CATCTTCTGCCAAAAAAGCAACAGGGCGGAAGAAGTCTTCATCACATGATTCTGGGACTG[A>G]TATTACTTCTGTGACTCTTGGGGATACAACAGCTGTCAAAACCAAAATACTTATAAAGAA-3'
Protein context (NP_001184033.1, residues 934-954): KKSSSHDSGT[Asp944Gly]ITSVTLGDTT

ClinVar aggregate classification (germline): Uncertain significance (1 of 4 stars; one submission).

Submission:

Labcorp Genetics (formerly Invitae), Labcorp
Classification: Uncertain significance. Last evaluated: 2025-04-11. Review status: criteria provided, single submitter. Criteria: Invitae Variant Classification Sherloc (09022015). Collection method: clinical testing. Allele origin: germline.
Comment: This sequence change replaces aspartic acid, which is acidic and polar, with glycine, which is neutral and non-polar, at codon 944 of the KMT2A protein (p.Asp944Gly). This variant is not present in population databases (gnomAD no frequency). This variant has not been reported in the literature in individuals affected with KMT2A-related conditions. Invitae Evidence Modeling of protein sequence and biophysical properties (such as structural, functional, and spatial information, amino acid conservation, physicochemical variation, residue mobility, and thermodynamic stability) has been performed for this missense variant. However, the output from this modeling did not meet the statistical confidence thresholds required to predict the impact of this variant on KMT2A protein function. In summary, the available evidence is currently insufficient to determine the role of this variant in disease. Therefore, it has been classified as a Variant of Uncertain Significance.